The following is an entry in ClinVar:

ClinVar aggregate classification (germline): Pathogenic. Review status: criteria provided, multiple submitters, no conflicts (2 of 4 stars). 2 submissions from 2 submitters: Pathogenic (2). Last evaluated 2025-01-27.

Conditions:
Knobloch syndrome (KNO). Also called: Myopia retinal detachment encephalocele; RETINAL DETACHMENT AND OCCIPITAL ENCEPHALOCELE. Identifiers: Orphanet 1571, MedGen C1849409, MONDO:0800166.

Allele frequency attached by ClinVar (database versions not stated): ExAC 0.00009; TOPMed below 0.00001; gnomAD 0.00001; gnomAD exomes 0.00001 and 0.00002.
gnomAD v4.1: 23 of 1,539,642 alleles (0.0015%); highest among the groups gnomAD compares: Non-Finnish European, 0.0018%; no homozygotes.

Submissions (2):

Labcorp Genetics (formerly Invitae), Labcorp
Classification: Pathogenic. Last evaluated: 2025-01-27. Review status: criteria provided, single submitter. Criteria: Invitae Variant Classification Sherloc (09022015). Collection method: clinical testing. Allele origin: germline.
Comment: This sequence change affects a donor splice site in intron 41 of the COL18A1 gene. While this variant is not anticipated to result in nonsense mediated decay, it likely alters RNA splicing and results in a disrupted protein product. This variant is present in population databases (rs113847452, gnomAD 0.004%). Disruption of this splice site has been observed in individual(s) with vitreoretinal dystrophy (PMID: 37510321). This variant is also known as c.3809+2T>C. ClinVar contains an entry for this variant (Variation ID: 623178). Variants that disrupt the consensus splice site are a relatively common cause of aberrant splicing (PMID: 17576681, 9536098). Algorithms developed to predict the effect of sequence changes on RNA splicing suggest that this variant may disrupt the consensus splice site. This variant disrupts a region of the COL18A1 protein in which other variant(s) (p.Glu1289Glyfs*42) have been determined to be pathogenic (internal data). This suggests that this is a clinically significant region of the protein, and that variants that disrupt it are likely to be disease-causing. For these reasons, this variant has been classified as Pathogenic.

Molecular Diagnostics Laboratory, M Health Fairview: University of Minnesota
Classification: Pathogenic for Knobloch syndrome 1. Last evaluated: 2018-10-01. Review status: criteria provided, single submitter. Criteria: ACMG Guidelines, 2015. Collection method: clinical testing. Allele origin: germline. Affected: yes. Observed: 1 variant allele.

Literature cited by the submitters: PubMed 37510321 (cited by Labcorp Genetics (formerly Invitae), Labcorp); PubMed 17576681 (cited by Labcorp Genetics (formerly Invitae), Labcorp); PubMed 9536098 (cited by Labcorp Genetics (formerly Invitae), Labcorp).

NM_001379500.1(COL18A1):c.3809+2T>C

Genes: COL18A1 (collagen type XVIII alpha 1 chain; plus strand), SLC19A1 (solute carrier family 19 member 1; minus strand). Cytogenetic location: 21q22.3.
Variant type: single nucleotide variant.
Coding change: c.3809+2T>C on transcript NM_001379500.1 (MANE Select); the canonical splice donor site of the intron after coding-DNA position 3809, T replaced by C.
Molecular consequence: splice donor variant.
Genome position (GRCh38, 1-based): chr21:45,511,228, T>C. VCF-style: chr21-45511228-T-C. GRCh37 (hg19) VCF-style: chr21-46931142-T-C.
Other names: c.5054+2T>C (NM_130444.3); c.4349+2T>C (NM_030582.4).
Identifiers: ClinVar variation 623178 (VCV000623178.7), dbSNP rs113847452, ClinGen allele CA10068077.